The following is an entry in ClinVar:

ClinVar aggregate classification (germline): Uncertain significance (1 of 4 stars; one submission).

Conditions:
Charcot-Marie-Tooth disease type 4. Also called: Charcot-Marie-Tooth, Type 4; Charcot-Marie-Tooth disease, type IV. Identifiers: Orphanet 64749, MedGen C4082197, MONDO:0018995.

Allele frequency attached by ClinVar (database versions not stated): gnomAD exomes below 0.00001; gnomAD 0.00001; TOPMed 0.00001.

Submission:

Labcorp Genetics (formerly Invitae), Labcorp
Classification: Uncertain significance for Charcot-Marie-Tooth disease type 4. Last evaluated: 2021-01-21. Review status: criteria provided, single submitter. Criteria: Invitae Variant Classification Sherloc (09022015). Collection method: clinical testing. Allele origin: germline.
Comment: This variant has not been reported in the literature in individuals with FGD4-related conditions. This variant is not present in population databases (ExAC no frequency). This sequence change replaces glutamic acid with aspartic acid at codon 191 of the FGD4 protein (p.Glu191Asp). The glutamic acid residue is moderately conserved and there is a small physicochemical difference between glutamic acid and aspartic acid. Algorithms developed to predict the effect of missense changes on protein structure and function output the following: SIFT: "Tolerated"; PolyPhen-2: "Benign"; Align-GVGD: "Class C0". The aspartic acid amino acid residue is found in multiple mammalian species, suggesting that this missense change does not adversely affect protein function. These predictions have not been confirmed by published functional studies and their clinical significance is uncertain. In summary, the available evidence is currently insufficient to determine the role of this variant in disease. Therefore, it has been classified as a Variant of Uncertain Significance.

NM_001370298.3(FGD4):c.984G>T (p.Glu328Asp)

Gene: FGD4 (FYVE, RhoGEF and PH domain containing 4; plus strand). Cytogenetic location: 12p11.21.
Variant type: single nucleotide variant.
Coding change: c.984G>T on transcript NM_001370298.3 (MANE Select); coding-DNA position 984, G replaced by T.
Protein change: p.Glu328Asp; replaces glutamic acid 328 with aspartic acid.
Molecular consequence: missense variant. On other transcripts: 5 prime UTR variant (2), non-coding transcript variant (1), intron variant (1).
Genome position (GRCh38, 1-based): chr12:32,582,440, G>T. VCF-style: chr12-32582440-G-T. GRCh37 (hg19) VCF-style: chr12-32735374-G-T.
Other names: c.828G>T, p.Glu276Asp (NM_001304481.2); c.-272G>T (NM_001304483.2); c.-579G>T (NM_001304484.2); c.294G>T, p.Glu98Asp (NM_001330373.2, NM_001330374.2, NM_001384130.1); c.984G>T, p.Glu328Asp (NM_001384126.1); c.573G>T, p.Glu191Asp (NM_001384127.1, NM_001384128.1, NM_001384131.1 and 3 more transcripts); c.49-16057G>T (NM_001370297.1); short protein forms E276D, E98D, E191D, E328D.
Identifiers: ClinVar variation 839901 (VCV000839901.7), dbSNP rs1487363420, ClinGen allele CA384356544.